The following is an entry in ClinVar:

NM_004369.4(COL6A3):c.5838+12C>A

Gene: COL6A3 (collagen type VI alpha 3 chain; minus strand). Cytogenetic location: 2q37.3.
Variant type: single nucleotide variant.
Coding change: c.5838+12C>A on transcript NM_004369.4 (MANE Select); 12 bases into the intron after coding-DNA position 5838, C replaced by A.
Molecular consequence: intron variant.
Genome position (GRCh38, 1-based): chr2:237,365,686, G>T on the plus strand (C>A on the coding strand, the complement: COL6A3 is on the minus strand). VCF-style: chr2-237365686-G-T. GRCh37 (hg19) VCF-style: chr2-238274329-G-T.
Other names: c.4017+12C>A (NM_057166.5); c.5220+12C>A (NM_057167.4).
Identifiers: ClinVar variation 335115 (VCV000335115.12), dbSNP rs117734465, ClinGen allele CA2188567.
Genomic context (GRCh38, chr2:237,365,686, plus strand): 5'-AAGGGCTTCCTCCTTTCCAGTAAAAATTTGGAAATTTCCCAGGGAGCACCTGAACCAACT[G>T]GCCCCACAGACCTTCACGCTGTCCGGCGAGGACTGTCTGAACTTGTTCAGGTAGACCTTC-3'

ClinVar aggregate classification (germline): Benign. Review status: criteria provided, multiple submitters, no conflicts (2 of 4 stars). 2 submissions from 2 submitters: Benign (2). Last evaluated 2025-09-23.

Conditions:
Collagen 6-related myopathy. Identifiers: MedGen CN117976, MONDO:0100225.
Bethlem myopathy 1A. Also called: Bethlem Muscular Dystrophy; MYOPATHY, BENIGN CONGENITAL, WITH CONTRACTURES; Bethlem myopathy 1. Identifiers: Orphanet 610, MedGen CN029274, MONDO:0024530, OMIM 158810.

Allele frequency attached by ClinVar (database versions not stated): gnomAD 0.00010; TOPMed 0.00014; gnomAD exomes 0.00052; ExAC 0.00059; 1000 Genomes Project 30x 0.00094; 1000 Genomes Project 0.00120.
gnomAD v4.1: 715 of 1,613,474 alleles (0.044%); highest among the groups gnomAD compares: East Asian, 1.6%; 6 homozygotes.

Submissions (2):

Labcorp Genetics (formerly Invitae), Labcorp
Classification: Benign for Bethlem myopathy 1A. Last evaluated: 2025-09-23. Review status: criteria provided, single submitter. Criteria: Invitae Variant Classification Sherloc (09022015). Collection method: clinical testing. Allele origin: germline.

Illumina Laboratory Services, Illumina
Classification: Benign for Collagen VI-related myopathy. Last evaluated: 2018-01-12. Review status: criteria provided, single submitter. Criteria: ICSL Variant Classification Criteria 13 December 2019. Collection method: clinical testing. Allele origin: germline.
Comment: This variant was observed in the ICSL laboratory as part of a predisposition screen in an ostensibly healthy population. It had not been previously curated by ICSL or reported in the Human Gene Mutation Database (HGMD: prior to June 1st, 2018), and was therefore a candidate for classification through an automated scoring system. Utilizing variant allele frequency, disease prevalence and penetrance estimates, and inheritance mode, an automated score was calculated to assess if this variant is too frequent to cause the disease. Based on the score and internal cut-off values, a variant classified as benign is not then subjected to further curation. The score for this variant resulted in a classification of benign for this disease.